The following is an entry in ClinVar:

NM_004646.4(NPHS1):c.3110-5C>T

Gene: NPHS1 (NPHS1 adhesion molecule, nephrin; minus strand). Cytogenetic location: 19q13.12.
Variant type: single nucleotide variant.
Coding change: c.3110-5C>T on transcript NM_004646.4 (MANE Select); 5 bases into the intron before coding-DNA position 3110, C replaced by T.
Molecular consequence: intron variant.
Genome position (GRCh38, 1-based): chr19:35,835,766, G>A on the plus strand (C>T on the coding strand, the complement: NPHS1 is on the minus strand). VCF-style: chr19-35835766-G-A. GRCh37 (hg19) VCF-style: chr19-36326668-G-A.
Identifiers: ClinVar variation 760307 (VCV000760307.16), dbSNP rs190769116, ClinGen allele CA9389913.

ClinVar aggregate classification (germline): Conflicting classifications of pathogenicity. Review status: criteria provided, conflicting classifications (1 of 4 stars). 4 submissions from 4 submitters: Uncertain significance (2); Likely benign (1). 1 of the submissions does not count toward it. Last evaluated 2026-01-28.

Conditions:
Focal segmental glomerulosclerosis (FSGS). Also called: Glomerulosclerosis, focal; Focal sclerosis with hyalinosis. Identifiers: MedGen C0017668, MONDO:0100313, HP:0000097. Disease mechanism: loss of function.
Finnish congenital nephrotic syndrome (NPHS1). Also called: NEPHROTIC SYNDROME, TYPE 1. Identifiers: Orphanet 839, MedGen C0403399, MONDO:0009732, OMIM 256300.

Allele frequency attached by ClinVar (database versions not stated): gnomAD exomes 0.00011; ExAC 0.00013; 1000 Genomes Project 30x 0.00031; ESP Exome Variant Server 0.00038; gnomAD 0.00038 and 0.00041; 1000 Genomes Project 0.00040; TOPMed 0.00041.
gnomAD v4.1: 156 of 1,613,194 alleles (0.0097%); highest among the groups gnomAD compares: African/African-American, 0.16%; 1 homozygote.

Submissions (4):

Labcorp Genetics (formerly Invitae), Labcorp
Classification: Likely benign. Last evaluated: 2026-01-28. Review status: criteria provided, single submitter. Criteria: Invitae Variant Classification Sherloc (09022015). Collection method: clinical testing. Allele origin: germline.

Genetic Services Laboratory, University of Chicago
Classification: Uncertain significance. Last evaluated: 2023-03-27. Review status: criteria provided, single submitter. Criteria: ACMG Guidelines, 2015. Collection method: clinical testing. Allele origin: germline. Affected: no.
Comment: DNA sequence analysis of the NPHS1 gene demonstrated a sequence change in intron 22, c.3110-5C>T. This sequence change has been described in the gnomAD database with a frequency of 0.13% in the African/African American subpopulation (dbSNP rs190769116). This sequence change is not predicted to have a deleterious effect on splicing based on in-silico splice prediction programs. This change has previously described, along with a frameshift variant in NPHS1, in the products of conception from an intrauterine fetal demise case (PMID: 33100332). The phase of the two variants was not reported. It is possible that this sequence change represents a benign sequence change in the NPHS1 gene that has not been identified to date. The functional significance of this sequence change is not known at present.

Genome Diagnostics Laboratory, The Hospital for Sick Children
Classification: Uncertain significance for Focal segmental glomerulosclerosis. Last evaluated: 2020-07-01. Review status: criteria provided, single submitter. Criteria: ACMG Guidelines, 2015. Collection method: clinical testing. Allele origin: germline.

Natera, Inc.
Classification: Uncertain significance for Finnish congenital nephrotic syndrome. Last evaluated: 2019-12-31. Review status: no assertion criteria provided. Collection method: clinical testing. Allele origin: germline. Not counted in ClinVar's aggregate classification.